The following is an entry in ClinVar:

NM_015978.3(TNNI3K):c.527A>G (p.Tyr176Cys)

Genes: FPGT-TNNI3K (FPGT-TNNI3K readthrough; plus strand), TNNI3K (TNNI3 interacting kinase; plus strand). Cytogenetic location: 1p31.1.
Variant type: single nucleotide variant.
Coding change: c.527A>G on transcript NM_015978.3 (MANE Select); coding-DNA position 527, A replaced by G.
Protein change: p.Tyr176Cys; replaces tyrosine 176 with cysteine.
Molecular consequence: missense variant.
Genome position (GRCh38, 1-based): chr1:74,331,532, A>G. VCF-style: chr1-74331532-A-G. GRCh37 (hg19) VCF-style: chr1-74797216-A-G.
Other names: c.830A>G, p.Tyr277Cys (NM_001112808.3, NM_001199327.2); short protein forms Y176C, Y277C.
Identifiers: ClinVar variation 4188236 (VCV004188236.2).
Genomic context (GRCh38, chr1:74,331,532, plus strand): 5'-ATGGAGCTAATGTCAATATTCAAGATGCAGTTTTTTTCACTCCATTGCATATTGCAGCGT[A>G]CTATGGACATGAACAGGTAAGTCTGACAGTAGGATTTCCAAAGGTTAGGTGTTGCTTAAG-3'
Protein context (NP_057062.1, residues 166-186): VFFTPLHIAA[Tyr176Cys]YGHEQVTRLL

ClinVar aggregate classification (germline): Uncertain significance. Review status: criteria provided, multiple submitters, no conflicts (2 of 4 stars). 2 submissions from 2 submitters: Uncertain significance (2). Last evaluated 2025-10-21.

Conditions:
Inborn genetic diseases. Identifiers: MedGen C0950123, MeSH D030342.

gnomAD v4.1: 2 of 1,612,670 alleles (0.00012%); no homozygotes.

Submissions (2):

Labcorp Genetics (formerly Invitae), Labcorp
Classification: Uncertain significance. Last evaluated: 2025-10-21. Review status: criteria provided, single submitter. Criteria: Invitae Variant Classification Sherloc (09022015). Collection method: clinical testing. Allele origin: germline.
Comment: This sequence change replaces tyrosine, which is neutral and polar, with cysteine, which is neutral and slightly polar, at codon 176 of the TNNI3K protein (p.Tyr176Cys). This variant is present in population databases (rs201182862, gnomAD 0.03%). This variant has not been reported in the literature in individuals affected with TNNI3K-related conditions. ClinVar contains an entry for this variant (Variation ID: 4188236). Invitae Evidence Modeling of protein sequence and biophysical properties (such as structural, functional, and spatial information, amino acid conservation, physicochemical variation, residue mobility, and thermodynamic stability) indicates that this missense variant is not expected to disrupt TNNI3K protein function with a negative predictive value of 80%. In summary, the available evidence is currently insufficient to determine the role of this variant in disease. Therefore, it has been classified as a Variant of Uncertain Significance.

Ambry Genetics
Classification: Uncertain significance for Inborn genetic diseases. Last evaluated: 2025-06-25. Review status: criteria provided, single submitter. Criteria: Ambry Variant Classification Scheme 2023. Collection method: clinical testing. Allele origin: germline.